The following is an entry in ClinVar:

NM_001267550.2(TTN):c.106031T>C (p.Leu35344Pro)

Genes: TTN (titin; minus strand), TTN-AS1 (TTN antisense RNA 1; plus strand), LOC129935182 (ATAC-STARR-seq lymphoblastoid active region 16807; plus strand). Cytogenetic location: 2q31.2.
Variant type: single nucleotide variant.
Coding change: c.106031T>C on transcript NM_001267550.2 (MANE Select); coding-DNA position 106031, T replaced by C.
Protein change: p.Leu35344Pro; replaces leucine 35344 with proline.
Molecular consequence: missense variant.
Genome position (GRCh38, 1-based): chr2:178,530,584, A>G on the plus strand (T>C on the coding strand, the complement: TTN is on the minus strand). VCF-style: chr2-178530584-A-G. GRCh37 (hg19) VCF-style: chr2-179395311-A-G.
Other names: c.101108T>C, p.Leu33703Pro (NM_001256850.1); c.78836T>C, p.Leu26279Pro (NM_003319.4); c.98327T>C, p.Leu32776Pro (NM_133378.4); c.79211T>C, p.Leu26404Pro (NM_133432.3); c.79412T>C, p.Leu26471Pro (NM_133437.4); short protein forms L26404P, L26279P, L26471P, L33703P, L32776P, L35344P.
Identifiers: ClinVar variation 4794730 (VCV004794730.1).

ClinVar aggregate classification (germline): Uncertain significance (1 of 4 stars; one submission).

Conditions:
Autosomal recessive limb-girdle muscular dystrophy type 2J (LGMDR10). Also called: MUSCULAR DYSTROPHY, LIMB-GIRDLE, AUTOSOMAL RECESSIVE 10; Limb-girdle muscular dystrophy, type 2J. Identifiers: Orphanet 140922, MedGen C1837342, MONDO:0012127, OMIM 608807.
Dilated cardiomyopathy 1G (CMD1G). Identifiers: Orphanet 154, MedGen C1858763, MONDO:0011400, OMIM 604145.

Submission:

Labcorp Genetics (formerly Invitae), Labcorp
Classification: Uncertain significance for Dilated cardiomyopathy 1G; Autosomal recessive limb-girdle muscular dystrophy type 2J. Last evaluated: 2025-08-25. Review status: criteria provided, single submitter. Criteria: Invitae Variant Classification Sherloc (09022015). Collection method: clinical testing. Allele origin: germline.
Comment: This sequence change replaces leucine, which is neutral and non-polar, with proline, which is neutral and non-polar, at codon 35344 of the TTN protein (p.Leu35344Pro). This variant is not present in population databases (gnomAD no frequency). This variant has not been reported in the literature in individuals affected with TTN-related conditions. Experimental studies and prediction algorithms are not available or were not evaluated, and the functional significance of this variant is currently unknown. This variant is located in the M band of TTN (PMID: 25589632). Non-truncating variants in this region may be relevant for neuromuscular disorders, but have not been definitively shown to cause cardiomyopathy (PMID: 23975875). In summary, the available evidence is currently insufficient to determine the role of this variant in disease. Therefore, it has been classified as a Variant of Uncertain Significance.

Literature cited by the submitters: PubMed 25589632; PubMed 23975875.